The following is an entry in ClinVar:

ClinVar aggregate classification (germline): Conflicting classifications of pathogenicity. Review status: criteria provided, conflicting classifications (1 of 4 stars). 6 submissions from 6 submitters: Pathogenic (2); Likely pathogenic (3); Uncertain significance (1). Last evaluated 2026-01-05.

Conditions:
Joubert syndrome and related disorders. Identifiers: Orphanet 140874, MedGen C5679612, MONDO:0015369.
CEP104-related disorders.
Autosomal recessive CEP104-related disorders.
Joubert syndrome 25 (JBTS25). Identifiers: Orphanet 475, MedGen C4084842, MONDO:0014770, OMIM 616781.

Allele frequency attached by ClinVar (database versions not stated): ESP Exome Variant Server 0.00008; gnomAD 0.00008 and 0.00011; TOPMed 0.00008; ExAC 0.00010; gnomAD exomes 0.00010 and 0.00011.
gnomAD v4.1: 150 of 1,614,038 alleles (0.0093%); highest among the groups gnomAD compares: Non-Finnish European, 0.0097%; no homozygotes.

Submissions (6):

Labcorp Genetics (formerly Invitae), Labcorp
Classification: Pathogenic for Joubert syndrome 25. Last evaluated: 2026-01-05. Review status: criteria provided, single submitter. Criteria: Invitae Variant Classification Sherloc (09022015). Collection method: clinical testing. Allele origin: germline.
Comment: This sequence change creates a premature translational stop signal (p.Gln335*) in the CEP104 gene. It is expected to result in an absent or disrupted protein product. Loss-of-function variants in CEP104 are known to be pathogenic (PMID: 26477546). This variant is present in population databases (rs144744629, gnomAD 0.03%). This variant has not been reported in the literature in individuals affected with CEP104-related conditions. ClinVar contains an entry for this variant (Variation ID: 1309193). For these reasons, this variant has been classified as Pathogenic.

Variantyx, Inc.
Classification: Likely pathogenic for Autosomal recessive CEP104-related disorders. Last evaluated: 2025-04-07. Review status: criteria provided, single submitter. Criteria: Variantyx Assertion Criteria 2022. Collection method: clinical testing. Allele origin: germline. Inheritance: Autosomal recessive inheritance.
Comment: This is a nonsense variant in the CEP104 gene (OMIM: 616690). Pathogenic variants in this gene have been associated with autosomal recessive CEP104-related disorders. This variant introduces a premature termination codon in exon 9 out of 22. It is expected to result in loss of function, which is a known disease mechanism for CEP104 in this disorder (PMID: 26477546) (PVS1). This variant has a 0.0097% maximum allele frequency in non-founder control populations (PM2). Based on the current evidence, this variant is classified as likely pathogenic for autosomal recessive CEP104-related disorders.

Laboratory of Genetics, Children's Clinical University Hospital Latvia
Classification: Pathogenic. Last evaluated: 2025-02-16. Review status: criteria provided, single submitter. Criteria: ACMG Guidelines, 2015. Collection method: clinical testing. Allele origin: germline. Affected: yes.

GeneDx
Classification: Uncertain significance. Last evaluated: 2024-10-30. Review status: criteria provided, single submitter. Criteria: GeneDx Variant Classification Process June 2021. Collection method: clinical testing. Allele origin: germline. Affected: yes.
Comment: Nonsense variant predicted to result in protein truncation or nonsense mediated decay in a gene for which loss of function is a known mechanism of disease; Previously observed as a single heterozygous variant in an individual with cystic renal disease; however other features of CEP104-related ciliopathy were not reported (PMID: 35372954); This variant is associated with the following publications: (PMID: 35372954)

Blueprint Genetics
Classification: Likely pathogenic for CEP104-related disorders. Last evaluated: 2023-04-24. Review status: criteria provided, single submitter. Criteria: ACMG Guidelines, 2015. Collection method: clinical testing. Allele origin: germline. Affected: yes. Observed: 5 variant alleles.

Women's Health and Genetics/Laboratory Corporation of America, LabCorp
Classification: Likely pathogenic for Joubert syndrome and related disorders. Last evaluated: 2023-02-16. Review status: criteria provided, single submitter. Criteria: LabCorp Variant Classification Summary - May 2015. Collection method: clinical testing. Allele origin: germline.
Comment: Variant summary: CEP104 c.1003C>T (p.Gln335X) results in a premature termination codon, predicted to cause a truncation of the encoded protein or absence of the protein due to nonsense mediated decay, which are commonly known mechanisms for disease. Truncations downstream of this position have been classified as pathogenic by our laboratory. The variant allele was found at a frequency of 0.00011 in 251438 control chromosomes. This frequency is not higher than estimated for a pathogenic variant in CEP104 causing Joubert Syndrome And Related Disorders (0.00011 vs 0.0004), allowing no conclusion about variant significance. c.1003C>T has been reported in the literature in an individual affected with Cystic renal disease (Wilson_2020). To our knowledge, no experimental evidence demonstrating an impact on protein function has been reported. Two clinical diagnostic laboratories have submitted clinical-significance assessments for this variant to ClinVar after 2014 and classified the variant as pathogenic and as uncertain significance. Based on the evidence outlined above, the variant was classified as likely pathogenic.

Literature cited by the submitters: PubMed 26477546 (cited by Labcorp Genetics (formerly Invitae), Labcorp and Variantyx, Inc.); PubMed 35372954 (cited by Women's Health and Genetics/Laboratory Corporation of America, LabCorp).

NM_014704.4(CEP104):c.1003C>T (p.Gln335Ter)

Gene: CEP104 (centrosomal protein 104; minus strand). Cytogenetic location: 1p36.32.
Variant type: single nucleotide variant.
Coding change: c.1003C>T on transcript NM_014704.4 (MANE Select); coding-DNA position 1003, C replaced by T.
Protein change: p.Gln335Ter; replaces glutamine 335 with a stop codon.
Molecular consequence: nonsense.
Genome position (GRCh38, 1-based): chr1:3,837,408, G>A on the plus strand (C>T on the coding strand, the complement: CEP104 is on the minus strand). VCF-style: chr1-3837408-G-A. GRCh37 (hg19) VCF-style: chr1-3753972-G-A.
Other names: short protein forms Q335*.
Identifiers: ClinVar variation 1309193 (VCV001309193.13), dbSNP rs144744629, ClinGen allele CA551754.
Genomic context (GRCh38, chr1:3,837,408, plus strand): 5'-GAGGAGAAATAGTTAGAGAATATGATGAAGGCTTTTCCTGAAGGAAAGGTTCTGCAAACT[G>A]GTTTTCTGTTCCTCTTTCTTCCAGTTGTGGTAGTGAGGGCATTGGCTTTTGGTGGCAAGG-3'